The following is an entry in ClinVar:

ClinVar aggregate classification (germline): Uncertain significance. Review status: criteria provided, multiple submitters, no conflicts (2 of 4 stars). 2 submissions from 2 submitters: Uncertain significance (2). Last evaluated 2025-11-26.

Conditions:
Inborn genetic diseases. Identifiers: MedGen C0950123, MeSH D030342.

Allele frequency attached by ClinVar (database versions not stated): ExAC 0.00001; gnomAD 0.00002; TOPMed 0.00002; gnomAD exomes 0.00001.
gnomAD v4.1: 14 of 1,614,052 alleles (0.00087%); highest among the groups gnomAD compares: Non-Finnish European, 0.0012%; no homozygotes.

Submissions (2):

Ambry Genetics
Classification: Uncertain significance for Inborn genetic diseases. Last evaluated: 2025-11-26. Review status: criteria provided, single submitter. Criteria: Ambry Variant Classification Scheme 2023. Collection method: clinical testing. Allele origin: germline.

Labcorp Genetics (formerly Invitae), Labcorp
Classification: Uncertain significance. Last evaluated: 2022-10-13. Review status: criteria provided, single submitter. Criteria: Invitae Variant Classification Sherloc (09022015). Collection method: clinical testing. Allele origin: germline.
Comment: In summary, the available evidence is currently insufficient to determine the role of this variant in disease. Therefore, it has been classified as a Variant of Uncertain Significance. Algorithms developed to predict the effect of missense changes on protein structure and function (SIFT, PolyPhen-2, Align-GVGD) all suggest that this variant is likely to be tolerated. This variant has not been reported in the literature in individuals affected with OCLN-related conditions. This variant is present in population databases (rs755500864, gnomAD 0.002%). This sequence change replaces isoleucine, which is neutral and non-polar, with valine, which is neutral and non-polar, at codon 212 of the OCLN protein (p.Ile212Val).

NM_001205254.2(OCLN):c.634A>G (p.Ile212Val)

Gene: OCLN (occludin; plus strand). Cytogenetic location: 5q13.2.
Variant type: single nucleotide variant.
Coding change: c.634A>G on transcript NM_001205254.2 (MANE Select); coding-DNA position 634, A replaced by G.
Protein change: p.Ile212Val; replaces isoleucine 212 with valine.
Molecular consequence: missense variant. On other transcripts: intron variant (1).
Genome position (GRCh38, 1-based): chr5:69,509,724, A>G. VCF-style: chr5-69509724-A-G. GRCh37 (hg19) VCF-style: chr5-68805551-A-G.
Other names: c.634A>G, p.Ile212Val (NM_001410743.1, NM_001438048.1, NM_001438604.1 and 1 more transcripts); c.-24-4224A>G (NM_001205255.2); c.634A>G (NM_002538.3); short protein forms I212V.
Identifiers: ClinVar variation 1919238 (VCV001919238.4), dbSNP rs755500864, ClinGen allele CA3294469.